The following is an entry in ClinVar:

NM_001110556.2(FLNA):c.806T>A (p.Leu269Gln)

Gene: FLNA (filamin A; minus strand). Cytogenetic location: Xq28.
Variant type: single nucleotide variant.
Coding change: c.806T>A on transcript NM_001110556.2 (MANE Select); coding-DNA position 806, T replaced by A.
Protein change: p.Leu269Gln; replaces leucine 269 with glutamine.
Molecular consequence: missense variant.
Genome position (GRCh38, 1-based): chrX:154,367,459, A>T on the plus strand (T>A on the coding strand, the complement: FLNA is on the minus strand). VCF-style: chrX-154367459-A-T. GRCh37 (hg19) VCF-style: chrX-153595827-A-T.
Other names: c.806T>A, p.Leu269Gln (NM_001456.4); short protein forms L269Q.
Identifiers: ClinVar variation 950023 (VCV000950023.14), dbSNP rs782157170, ClinGen allele CA10561356.

ClinVar aggregate classification (germline): Conflicting classifications of pathogenicity. Review status: criteria provided, conflicting classifications (1 of 4 stars). 4 submissions from 4 submitters: Uncertain significance (3); Likely benign (1). Last evaluated 2026-01-14.

Conditions:
Familial thoracic aortic aneurysm and aortic dissection (TAAD). Also called: Thoracic aortic aneurysms and dissections. Identifiers: Orphanet 91387, MedGen C4707243, MONDO:0019625.
Heterotopia, periventricular, X-linked dominant (PVNH1). Also called: PERIVENTRICULAR NODULAR HETEROTOPIA 4; HETEROTOPIA, PERIVENTRICULAR, 1; PERIVENTRICULAR NODULAR HETEROTOPIA 1; X-linked periventricular heterotopia. Identifiers: Orphanet 2149, Orphanet 82004, MedGen C1848213, MONDO:0010233, OMIM 300049.
Oto-palato-digital syndrome, type II (OPD2). Also called: Otopalatodigital Syndrome, Type II; Otopalatodigital Syndrome Type 2 (FLNA-OPD2); FACIOPALATOOSSEOUS SYNDROME; OPD II SYNDROME. Identifiers: Orphanet 669, Orphanet 90652, MedGen C1844696, MONDO:0010571, OMIM 304120.
Melnick-Needles syndrome (MNS). Also called: Melnick-Needles Syndrome (FLNA-MNS); MELNICK-NEEDLES OSTEODYSPLASTY; OSTEODYSPLASTY OF MELNICK AND NEEDLES. Identifiers: Orphanet 2484, MedGen C0025237, MONDO:0010650, OMIM 309350.
Frontometaphyseal dysplasia (FMD1). Identifiers: Orphanet 1826, MedGen C0265293, MONDO:0015942.

Allele frequency attached by ClinVar (database versions not stated): ExAC 0.00002; gnomAD exomes 0.00003 and 0.00013.
gnomAD v4.1: 138 of 1,211,690 alleles (0.011%); highest among the groups gnomAD compares: Non-Finnish European, 0.015%; no homozygotes.

Submissions (4):

Ambry Genetics
Classification: Uncertain significance for Familial thoracic aortic aneurysm and aortic dissection. Last evaluated: 2026-01-14. Review status: criteria provided, single submitter. Criteria: Ambry Variant Classification Scheme 2023. Collection method: clinical testing. Allele origin: germline.
Comment: The c.806T>A (p.L269Q) alteration is located in exon 5 (coding exon 4) of the FLNA gene. This alteration results from a T to A substitution at nucleotide position 806, causing the leucine (L) at amino acid position 269 to be replaced by a glutamine (Q). Based on data from gnomAD, the A allele has an overall frequency of 0.003% (5/182192) total alleles studied. The highest observed frequency was 0.006% (5/81328) of European (non-Finnish) alleles. Based on insufficient or conflicting evidence, the clinical significance of this alteration remains unclear.

Labcorp Genetics (formerly Invitae), Labcorp
Classification: Likely benign for Oto-palato-digital syndrome, type II; Heterotopia, periventricular, X-linked dominant; Frontometaphyseal dysplasia; Melnick-Needles syndrome. Last evaluated: 2025-12-09. Review status: criteria provided, single submitter. Criteria: Invitae Variant Classification Sherloc (09022015). Collection method: clinical testing. Allele origin: germline.

GeneDx
Classification: Uncertain significance. Last evaluated: 2024-06-13. Review status: criteria provided, single submitter. Criteria: GeneDx Variant Classification Process June 2021. Collection method: clinical testing. Allele origin: germline. Affected: yes.
Comment: In silico analysis supports that this missense variant has a deleterious effect on protein structure/function; Has not been previously published as pathogenic or benign to our knowledge

Women's Health and Genetics/Laboratory Corporation of America, LabCorp
Classification: Uncertain significance. Last evaluated: 2023-12-10. Review status: criteria provided, single submitter. Criteria: LabCorp Variant Classification Summary - May 2015. Collection method: clinical testing. Allele origin: germline.